The following is an entry in ClinVar:

ClinVar aggregate classification (germline): Likely benign (1 of 4 stars; one submission).

Conditions:
Biotin-responsive basal ganglia disease (BTBGD). Also called: Thiamine Transporter-2 Deficiency; THIAMINE METABOLISM DYSFUNCTION SYNDROME 2 (BIOTIN- AND THIAMINE-RESPONSIVE TYPE); Thiamine metabolism dysfunction syndrome type 2; thiamine-responsive encephalopathy; Thiamine metabolism dysfunction syndrome 2 (biotin- or thiamine-responsive encephalopathy type 2). Identifiers: Orphanet 199348, Orphanet 65284, MedGen C1843807, MONDO:0011841, OMIM 607483.

Allele frequency attached by ClinVar (database versions not stated): TOPMed 0.00094; 1000 Genomes Project 0.00300; 1000 Genomes Project 30x 0.00328.

Submission:

Illumina Laboratory Services, Illumina
Classification: Likely benign for Biotin-responsive basal ganglia disease. Last evaluated: 2018-01-13. Review status: criteria provided, single submitter. Criteria: ICSL Variant Classification Criteria 13 December 2019. Collection method: clinical testing. Allele origin: germline.
Comment: This variant was observed in the ICSL laboratory as part of a predisposition screen in an ostensibly healthy population. It had not been previously curated by ICSL or reported in the Human Gene Mutation Database (HGMD: prior to June 1st, 2018), and was therefore a candidate for classification through an automated scoring system. Utilizing variant allele frequency, disease prevalence and penetrance estimates, and inheritance mode, an automated score was calculated to assess if this variant is too frequent to cause the disease. Based on the score and internal cut-off values, a variant classified as likely benign is not then subjected to further curation. The score for this variant resulted in a classification of likely benign for this disease.

NM_025243.4(SLC19A3):c.*1859C>T

Gene: SLC19A3 (solute carrier family 19 member 3; minus strand). Cytogenetic location: 2q36.3.
Variant type: single nucleotide variant.
Coding change: c.*1859C>T on transcript NM_025243.4 (MANE Select); 1859 bases downstream of the stop codon, C replaced by T.
Molecular consequence: 3 prime UTR variant.
Genome position (GRCh38, 1-based): chr2:227,685,538, G>A on the plus strand (C>T on the coding strand, the complement: SLC19A3 is on the minus strand). VCF-style: chr2-227685538-G-A. GRCh37 (hg19) VCF-style: chr2-228550254-G-A.
Other names: c.*1859C>T (NM_001371412.1, NM_001371413.1, NM_001371414.1 and 1 more transcripts).
Identifiers: ClinVar variation 895163 (VCV000895163.4), dbSNP rs78796362, ClinGen allele CA15184687.